The following is an entry in ClinVar:

NM_001375524.1(TRRAP):c.512G>A (p.Arg171His)

Gene: TRRAP (transformation/transcription domain associated protein; plus strand). Cytogenetic location: 7q22.1.
Variant type: single nucleotide variant.
Coding change: c.512G>A on transcript NM_001375524.1 (MANE Select); coding-DNA position 512, G replaced by A.
Protein change: p.Arg171His; replaces arginine 171 with histidine.
Molecular consequence: missense variant.
Genome position (GRCh38, 1-based): chr7:98,897,745, G>A. VCF-style: chr7-98897745-G-A. GRCh37 (hg19) VCF-style: chr7-98495368-G-A.
Other names: c.512G>A (NM_003496.3); c.512G>A, p.Arg171His (NM_001244580.2, NM_003496.4); short protein forms R171H.
Identifiers: ClinVar variation 2715218 (VCV002715218.6), dbSNP rs1298175720, ClinGen allele CA368279285.

ClinVar aggregate classification (germline): Uncertain significance. Review status: criteria provided, multiple submitters, no conflicts (2 of 4 stars). 4 submissions from 4 submitters: Uncertain significance (4). Last evaluated 2024-10-24.

Conditions:
Developmental delay with or without dysmorphic facies and autism. Identifiers: MedGen C5193106, MONDO:0032760, OMIM 618454.

Allele frequency attached by ClinVar (database versions not stated): gnomAD exomes below 0.00001; TOPMed 0.00001.

Submissions (4):

Labcorp Genetics (formerly Invitae), Labcorp
Classification: Uncertain significance. Last evaluated: 2024-10-24. Review status: criteria provided, single submitter. Criteria: Invitae Variant Classification Sherloc (09022015). Collection method: clinical testing. Allele origin: germline.
Comment: This sequence change replaces arginine, which is basic and polar, with histidine, which is basic and polar, at codon 171 of the TRRAP protein (p.Arg171His). This variant is present in population databases (no rsID available, gnomAD 0.0009%). This variant has not been reported in the literature in individuals affected with TRRAP-related conditions. Invitae Evidence Modeling of protein sequence and biophysical properties (such as structural, functional, and spatial information, amino acid conservation, physicochemical variation, residue mobility, and thermodynamic stability) indicates that this missense variant is not expected to disrupt TRRAP protein function with a negative predictive value of 80%. In summary, the available evidence is currently insufficient to determine the role of this variant in disease. Therefore, it has been classified as a Variant of Uncertain Significance.

Revvity Omics, Revvity
Classification: Uncertain significance. Last evaluated: 2024-04-23. Review status: criteria provided, single submitter. Criteria: ACMG Guidelines, 2015. Collection method: clinical testing. Allele origin: germline.

GeneDx
Classification: Uncertain significance. Last evaluated: 2024-03-25. Review status: criteria provided, single submitter. Criteria: GeneDx Variant Classification Process June 2021. Collection method: clinical testing. Allele origin: germline. Affected: yes.
Comment: In silico analysis supports that this missense variant does not alter protein structure/function; Has not been previously published as pathogenic or benign to our knowledge

Pittsburgh Clinical Genomics Laboratory, University of Pittsburgh Medical Center
Classification: Uncertain significance for Developmental delay with or without dysmorphic facies and autism. Last evaluated: 2023-05-03. Review status: criteria provided, single submitter. Criteria: ACMG Guidelines, 2015. Collection method: clinical testing. Allele origin: germline. Inheritance: Autosomal dominant inheritance. Affected: yes.
Comment: This sequence variant is a single nucleotide substitution (G>A) at coding position 512 in the TRRAP gene which results in an arginine to histidine amino acid change at residue 171 in the TRRAP protein. This variant has not been reported in clinical genetics databases or observed in the medical literature in individuals with TRRAP-related disease, to our knowledge. This variant is present in 1/250890 alleles (0.0004%) in the gnomAD population database. Bioinformatic tools are inconclusive if this amino acid change is likely to be damaging or tolerated, though arginine is highly conserved at this protein position in vertebrates. Functiol studies assessing the effect of this variant on protein structure or activity have not been performed, to our knowledge. At this time, there is insufficient evidence to determine if this variant is pathogenic or benign. Therefore, we consider it to be a variant of uncertain significance. ACMG Criteria: BP5, PM2